The following is an entry in ClinVar:

ClinVar aggregate classification (germline): Likely benign. Review status: criteria provided, multiple submitters, no conflicts (2 of 4 stars). 3 submissions from 3 submitters: Likely benign (2). 1 of the submissions does not count toward it. Last evaluated 2023-02-01.

Conditions:
MAPK8IP3-related disorder. Also called: MAPK8IP3-related condition.

Submissions (3):

CeGaT Center for Human Genetics Tuebingen
Classification: Likely benign. Last evaluated: 2023-02-01. Review status: criteria provided, single submitter. Criteria: CeGaT Center For Human Genetics Tuebingen Variant Classification Criteria Version 2. Collection method: clinical testing. Allele origin: germline. Affected: yes. Observed: 1 variant allele.
Comment: MAPK8IP3: BP4

GeneDx
Classification: Likely benign. Last evaluated: 2017-09-07. Review status: criteria provided, single submitter. Criteria: GeneDx Variant Classification (06012015). Collection method: clinical testing. Allele origin: germline. Affected: yes.
Comment: This variant is considered likely benign or benign based on one or more of the following criteria: it is a conservative change, it occurs at a poorly conserved position in the protein, it is predicted to be benign by multiple in silico algorithms, and/or has population frequency not consistent with disease.

PreventionGenetics, part of Exact Sciences
Classification: Likely benign for MAPK8IP3-related condition. Last evaluated: 2019-11-25. Review status: no assertion criteria provided. Collection method: clinical testing. Allele origin: germline. Not counted in ClinVar's aggregate classification.
Comment: This variant is classified as likely benign based on ACMG/AMP sequence variant interpretation guidelines (Richards et al. 2015 PMID: 25741868, with internal and published modifications).

NM_001318852.2(MAPK8IP3):c.1458-3_1458-2del

Gene: MAPK8IP3 (mitogen-activated protein kinase 8 interacting protein 3; plus strand). Cytogenetic location: 16p13.3.
Variant type: Microsatellite.
Coding change: c.1458-3_1458-2del on transcript NM_001318852.2 (MANE Select); 3 bases into the intron before coding-DNA position 1458 through the canonical splice acceptor site of the intron before coding-DNA position 1458, 2 bases deleted (CA; older notation c.1458-3_1458-2delCA).
Molecular consequence: splice acceptor variant.
Genome position (GRCh38, 1-based): chr16:1,761,221-1,761,222, CA deleted; deleting any 2 consecutive bases within chr16:1,761,219-1,761,222 gives the same sequence; the c. name uses the placement nearest the transcript's 3' end. VCF-style (leftmost placement, unchanged base first): chr16-1761218-CCA-C. GRCh37 (hg19) VCF-style: chr16-1811219-CCA-C.
Other names: c.1455-3_1455-2del (NM_015133.5); c.1437-3_1437-2del (NM_001040439.2); c.1455-3_1455-2delCA (NM_015133.3); c.1458-3_1458-2delCA (NM_001318852.1).
Identifiers: ClinVar variation 511615 (VCV000511615.25), dbSNP rs760346725, ClinGen allele CA7816862.